The following is an entry in ClinVar:

ClinVar aggregate classification (germline): Uncertain significance. Review status: criteria provided, multiple submitters, no conflicts (2 of 4 stars). 3 submissions from 3 submitters: Uncertain significance (3). Last evaluated 2025-11-13.

Conditions:
Inborn genetic diseases. Identifiers: MedGen C0950123, MeSH D030342.

Allele frequency attached by ClinVar (database versions not stated): ExAC 0.00001; gnomAD exomes 0.00001; TOPMed 0.00002.
gnomAD v4.1: 15 of 1,611,888 alleles (0.00093%); highest among the groups gnomAD compares: Non-Finnish European, 0.0013%; no homozygotes.

Submissions (3):

Ambry Genetics
Classification: Uncertain significance for Inborn genetic diseases. Last evaluated: 2025-11-13. Review status: criteria provided, single submitter. Criteria: Ambry Variant Classification Scheme 2023. Collection method: clinical testing. Allele origin: germline.

Labcorp Genetics (formerly Invitae), Labcorp
Classification: Uncertain significance. Last evaluated: 2022-07-03. Review status: criteria provided, single submitter. Criteria: Invitae Variant Classification Sherloc (09022015). Collection method: clinical testing. Allele origin: germline.
Comment: This sequence change replaces glycine, which is neutral and non-polar, with tryptophan, which is neutral and slightly polar, at codon 39 of the PPIB protein (p.Gly39Trp). This variant is present in population databases (rs759664826, gnomAD 0.002%). This variant has not been reported in the literature in individuals affected with PPIB-related conditions. Algorithms developed to predict the effect of missense changes on protein structure and function are either unavailable or do not agree on the potential impact of this missense change (SIFT: "Deleterious"; PolyPhen-2: "Probably Damaging"; Align-GVGD: "Class C15"). In summary, the available evidence is currently insufficient to determine the role of this variant in disease. Therefore, it has been classified as a Variant of Uncertain Significance.

Blueprint Genetics
Classification: Uncertain significance. Last evaluated: 2019-12-30. Review status: criteria provided, single submitter. Criteria: ACMG Guidelines, 2015. Collection method: clinical testing. Allele origin: germline.

NM_000942.5(PPIB):c.115G>T (p.Gly39Trp)

Gene: PPIB (peptidylprolyl isomerase B; minus strand). Cytogenetic location: 15q22.31.
Variant type: single nucleotide variant.
Coding change: c.115G>T on transcript NM_000942.5 (MANE Select); coding-DNA position 115, G replaced by T.
Protein change: p.Gly39Trp; replaces glycine 39 with tryptophan.
Molecular consequence: missense variant.
Genome position (GRCh38, 1-based): chr15:64,162,872, C>A on the plus strand (G>T on the coding strand, the complement: PPIB is on the minus strand). VCF-style: chr15-64162872-C-A. GRCh37 (hg19) VCF-style: chr15-64455071-C-A.
Other names: short protein forms G39W.
Identifiers: ClinVar variation 1986235 (VCV001986235.5), dbSNP rs759664826, ClinGen allele CA7608618.